The following is an entry in ClinVar:

ClinVar aggregate classification (germline): Uncertain significance (1 of 4 stars; one submission).

Conditions:
Hereditary cancer-predisposing syndrome. Also called: Tumor predisposition; Neoplastic Syndromes, Hereditary; Hereditary Cancer Syndrome; Hereditary neoplastic syndrome. Identifiers: Orphanet 140162, MedGen C0027672, MeSH D009386, MONDO:0015356.

Submission:

Ambry Genetics
Classification: Uncertain significance for Hereditary cancer-predisposing syndrome. Last evaluated: 2024-08-23. Review status: criteria provided, single submitter. Criteria: Ambry Variant Classification Scheme 2023. Collection method: clinical testing. Allele origin: germline.
Comment: The p.G1138R variant (also known as c.3412G>C), located in coding exon 9 of the BRCA1 gene, results from a G to C substitution at nucleotide position 3412. The glycine at codon 1138 is replaced by arginine, an amino acid with dissimilar properties. This alteration was identified amongst a cohort of 3984 Chinese women with a breast cancer diagnosis undergoing BRCA1/2 genetic testing (Yao L et al. J Hum Genet, 2022 Nov;67:639-642). This amino acid position is not well conserved in available vertebrate species. In addition, this alteration is predicted to be tolerated by in silico analysis. Based on the available evidence, the clinical significance of this variant remains unclear.

Literature cited by the submitters: PubMed 35864222.

NM_007294.4(BRCA1):c.3412G>C (p.Gly1138Arg)

Genes: BRCA1 (BRCA1 DNA repair associated; minus strand), LOC126862571 (BRD4-independent group 4 enhancer GRCh37_chr17:41243136-41244335; plus strand). Cytogenetic location: 17q21.31.
Variant type: single nucleotide variant.
Coding change: c.3412G>C on transcript NM_007294.4 (MANE Select); coding-DNA position 3412, G replaced by C.
Protein change: p.Gly1138Arg; replaces glycine 1138 with arginine.
Molecular consequence: missense variant. On other transcripts: intron variant (135).
Genome position (GRCh38, 1-based): chr17:43,092,119, C>G on the plus strand (G>C on the coding strand, the complement: BRCA1 is on the minus strand). VCF-style: chr17-43092119-C-G. GRCh37 (hg19) VCF-style: chr17-41244136-C-G.
Other names: c.710-1087G>C (NM_001408412.1, NM_001408411.1, NM_001408415.1 and 2 more transcripts); c.452-1087G>C (NM_001408509.1, NM_001408508.1); c.575-1087G>C (NM_001408491.1, NM_001408493.1, NM_001408490.1); c.785-1087G>C (NM_001407985.1, NM_001408401.1, NM_001408396.1 and 13 more transcripts); c.779-1087G>C (NM_001408408.1); c.662-1087G>C (NM_001408435.1, NM_001408446.1, NM_001408447.1 and 6 more transcripts); c.461-1087G>C (NM_001408506.1, NM_001408507.1); c.578-1087G>C (NM_001408481.1, NM_001408480.1, NM_001408514.1 and 9 more transcripts); and 41 more; short protein forms G1010R, G1026R, G1027R, G1050R, G1090R, G1111R, G1137R, G970R.
Identifiers: ClinVar variation 3481838 (VCV003481838.1).
Genomic context (GRCh38, chr17:43,092,119, plus strand): 5'-CACCATCATCTAACAGGTCATCAGGTGTCTCAGAACAAACCTGAGATGCATGACTACTTC[C>G]CATAGGCTGTTCTAAGTTATCTGAAATCAGATATGGAGAGAAATCTGTATTAACAGTCTG-3'
Protein context (NP_009225.1, residues 1128-1148): LISDNLEQPM[Gly1138Arg]SSHASQVCSE